The following is an entry in ClinVar:

ClinVar aggregate classification (germline): Conflicting classifications of pathogenicity. Review status: criteria provided, conflicting classifications (1 of 4 stars). 11 submissions from 11 submitters: Uncertain significance (7); Benign (1); Likely benign (1). 2 of the submissions do not count toward it. Last evaluated 2026-07-31.

Conditions:
Familial thoracic aortic aneurysm and aortic dissection (TAAD). Also called: Thoracic aortic aneurysms and dissections. Identifiers: Orphanet 91387, MedGen C4707243, MONDO:0019625.
Marfan syndrome (MFS). Also called: Marfan syndrome type 1; Marfan's syndrome; FBN1-Related Marfan Syndrome; MARFAN SYNDROME, TYPE I; Marfan syndrome, classic. Identifiers: Orphanet 284963, Orphanet 558, MedGen C0024796, MONDO:0007947, OMIM 154700.
Progeroid and marfanoid aspect-lipodystrophy syndrome. Also called: MARFANOID-PROGEROID SYNDROME; MARFAN-PROGEROID-LIPODYSTROPHY SYNDROME; Marfan lipodystrophy syndrome; MARFANOID-PROGEROID-LIPODYSTROPHY SYNDROME. Identifiers: Orphanet 300382, MedGen C4310796, MONDO:0014831, OMIM 616914.
Acromicric dysplasia (ACMICD). Also called: Acromicric skeletal dysplasia. Identifiers: Orphanet 969, MedGen C0265287, MONDO:0007055, OMIM 102370.
Stiff skin syndrome (SSKS). Identifiers: Orphanet 2833, MedGen C1861456, MONDO:0008492, OMIM 184900.
MASS syndrome (OCTD). Also called: OVERLAP CONNECTIVE TISSUE DISEASE; MASS PHENOTYPE. Identifiers: MedGen C1858556, MONDO:0011431, OMIM 604308.
Ectopia lentis 1, isolated, autosomal dominant (ECTOL1). Identifiers: Orphanet 1885, MedGen C3541518, MONDO:0007514, OMIM 129600.
Weill-Marchesani syndrome 2, dominant. Also called: Weill-Marchesani Syndrome, Autosomal Dominant; FBN1-Related Weill-Marchesani Syndrome. Identifiers: Orphanet 2084, MedGen C1869115, MONDO:0012013, OMIM 608328.
Geleophysic dysplasia 2 (GPHYSD2). Identifiers: Orphanet 2623, MedGen C3280054, MONDO:0013612, OMIM 614185.

Allele frequency attached by ClinVar (database versions not stated): ExAC 0.00003; gnomAD exomes 0.00003 and 0.00007; gnomAD 0.00006; TOPMed 0.00006; 1000 Genomes Project 30x 0.00016; 1000 Genomes Project 0.00020.
gnomAD v4.1: 63 of 1,614,154 alleles (0.0039%); highest among the groups gnomAD compares: South Asian, 0.027%; no homozygotes.

Submissions (11):

GeneDx
Classification: Uncertain significance. Last evaluated: 2026-07-31. Review status: criteria provided, single submitter. Criteria: GeneDx Variant Classification Process June 2021. Collection method: clinical testing. Allele origin: germline.
Comment: Reported in an individual with adolescent idiopathic scoliosis and in a patient with non-syndromic glaucoma (PMID: 26333736, 30653986); In silico analysis supports that this missense variant has a deleterious effect on protein structure/function; Does not affect a cysteine or calcium-binding residue within an EGF-like domain or a TGF-binding protein domain of the FBN1 gene; cysteine substitutions in the EGF-like domains represent the majority of pathogenic missense changes associated with FBN1-related disorders (PMID: 12938084); This variant is associated with the following publications: (PMID: 26333736, 12938084, 27906200, 30653986, 30513137)

Color Diagnostics, LLC DBA Color Health
Classification: Likely benign for Familial thoracic aortic aneurysm and aortic dissection. Last evaluated: 2025-11-26. Review status: criteria provided, single submitter. Criteria: ACMG Guidelines, 2015. Collection method: clinical testing. Allele origin: germline.

Labcorp Genetics (formerly Invitae), Labcorp
Classification: Benign for Marfan syndrome; Familial thoracic aortic aneurysm and aortic dissection. Last evaluated: 2025-09-23. Review status: criteria provided, single submitter. Criteria: Invitae Variant Classification Sherloc (09022015). Collection method: clinical testing. Allele origin: germline.

All of Us Research Program, National Institutes of Health
Classification: Uncertain significance for Marfan syndrome. Last evaluated: 2024-07-20. Review status: criteria provided, single submitter. Criteria: ACMG Guidelines, 2015. Collection method: clinical testing. Allele origin: germline. Inheritance: Autosomal dominant inheritance. Observed: 11 variant alleles, 11 heterozygotes.
Comment: This missense variant replaces asparagine with serine at codon 2767 of the FBN1 protein. Computational prediction tools indicate that this variant has a neutral impact on protein structure and function. To our knowledge, functional studies have not been reported for this variant. This variant has been reported in an individual affected with adolescent idiopathic scoliosis (PMID: 26333736). This variant has been identified in 19/282752 chromosomes in the general population by the Genome Aggregation Database (gnomAD). The elevated variant allele frequency in the general population indicates that this variant may not be disease-causing. However, additional studies are necessary to determine the role of this variant in disease conclusively. Therefore, this variant is classified as a Variant of Uncertain Significance.

This study involves interpretation of variants in research participants for the purpose of population health screening. Participant phenotype was not available at the time of variant classification. Additional details can be found in publication PMID: 35346344, PMCID: PMC8962531

Women's Health and Genetics/Laboratory Corporation of America, LabCorp
Classification: Uncertain significance. Last evaluated: 2024-06-04. Review status: criteria provided, single submitter. Criteria: LabCorp Variant Classification Summary - May 2015. Collection method: clinical testing. Allele origin: germline.
Comment: Variant summary: FBN1 c.8300A>G (p.Asn2767Ser) results in a conservative amino acid change in the encoded protein sequence. Four of five in-silico tools predict a benign effect of the variant on protein function. The variant allele was found at a frequency of 6.8e-05 in 251352 control chromosomes, predominantly at a frequency of 0.00042 within the South Asian subpopulation in the gnomAD database. The observed variant frequency within South Asian control individuals in the gnomAD database is approximately 4 fold of the estimated maximal expected allele frequency for a pathogenic variant in FBN1 causing Marfan Syndrome phenotype (0.00011). c.8300A>G has been reported in the literature in individuals affected with Marfan syndrome and idiopathic scoliosis without evidence of cosegregation (Haller_2015, Groth_2017). These report(s) do not provide unequivocal conclusions about association of the variant with Marfan Syndrome. To our knowledge, no experimental evidence demonstrating an impact on protein function has been reported. The following publications have been ascertained in the context of this evaluation (PMID: 26333736, 27906200, 30653986). ClinVar contains an entry for this variant (Variation ID: 406312). Based on the evidence outlined above, the variant was classified as VUS-possibly benign.

CHEO Genetics Diagnostic Laboratory, Children's Hospital of Eastern Ontario
Classification: Uncertain significance for Familial thoracic aortic aneurysm and aortic dissection. Last evaluated: 2022-03-14. Review status: criteria provided, single submitter. Criteria: ACMG Guidelines, 2015. Collection method: clinical testing. Allele origin: germline.

Fulgent Genetics
Classification: Uncertain significance for Acromicric dysplasia; Ectopia lentis 1, isolated, autosomal dominant; Marfan syndrome; Stiff skin syndrome; MASS syndrome; Weill-Marchesani syndrome 2, dominant; Geleophysic dysplasia 2; Progeroid and marfanoid aspect-lipodystrophy syndrome. Last evaluated: 2021-11-09. Review status: criteria provided, single submitter. Criteria: ACMG Guidelines, 2015. Collection method: clinical testing. Allele origin: unknown.

Ambry Genetics
Classification: Uncertain significance for Familial thoracic aortic aneurysm and aortic dissection. Last evaluated: 2021-02-04. Review status: criteria provided, single submitter. Criteria: Ambry Variant Classification Scheme 2023. Collection method: clinical testing. Allele origin: germline.
Comment: The p.N2767S variant (also known as c.8300A>G), located in coding exon 65 of the FBN1 gene, results from an A to G substitution at nucleotide position 8300. The asparagine at codon 2767 is replaced by serine, an amino acid with highly similar properties. This variant has been detected in an individual with idiopathic scoliosis and in an individual with non-syndromic pediatric glaucoma (Haller G et al. J Bone Joint Surg Am, 2015 Sep;97:1411-7; Patel A et al. Ophthalmology, 2019 06;126:888-907). This amino acid position is highly conserved in available vertebrate species. In addition, this alteration is predicted to be tolerated by in silico analysis. Since supporting evidence is limited at this time, the clinical significance of this alteration remains unclear.

CeGaT Center for Human Genetics Tuebingen
Classification: Uncertain significance. Last evaluated: 2020-06-01. Review status: criteria provided, single submitter. Criteria: CeGaT Center For Human Genetics Tuebingen Variant Classification Criteria Version 2. Collection method: clinical testing. Allele origin: germline. Affected: yes. Observed: 2 variant alleles.

Clinical Genetics DNA and cytogenetics Diagnostics Lab, Erasmus MC, Erasmus Medical Center
Classification: Likely benign. Review status: no assertion criteria provided. Collection method: clinical testing. Allele origin: germline. Affected: yes. Study: VKGL Data-share Consensus. Not counted in ClinVar's aggregate classification.

Laboratory of Diagnostic Genome Analysis, Leiden University Medical Center (LUMC)
Classification: Likely benign. Review status: no assertion criteria provided. Collection method: clinical testing. Allele origin: germline. Affected: yes. Study: VKGL Data-share Consensus. Not counted in ClinVar's aggregate classification.

Literature cited by the submitters: PubMed 26333736 (cited by 3 submitters); PubMed 27906200 (cited by Women's Health and Genetics/Laboratory Corporation of America, LabCorp); PubMed 30653986 (cited by Women's Health and Genetics/Laboratory Corporation of America, LabCorp and Ambry Genetics); PubMed 30513137 (cited by Ambry Genetics).

NM_000138.5(FBN1):c.8300A>G (p.Asn2767Ser)

Gene: FBN1 (fibrillin 1; minus strand). Cytogenetic location: 15q21.1.
Variant type: single nucleotide variant.
Coding change: c.8300A>G on transcript NM_000138.5 (MANE Select); coding-DNA position 8300, A replaced by G.
Protein change: p.Asn2767Ser; replaces asparagine 2767 with serine.
Molecular consequence: missense variant.
Genome position (GRCh38, 1-based): chr15:48,411,306, T>C on the plus strand (A>G on the coding strand, the complement: FBN1 is on the minus strand). VCF-style: chr15-48411306-T-C. GRCh37 (hg19) VCF-style: chr15-48703503-T-C.
Other names: short protein forms N2767S.
Identifiers: ClinVar variation 406312 (VCV000406312.65), dbSNP rs536503540, ClinGen allele CA059904.
Genomic context (GRCh38, chr15:48,411,306, plus strand): 5'-AGAGTTGTAAGAGCTGGAAGGAGTTCTAGGATTCGAACCTTGTTACTGACGTGGGAAATA[T>C]TGAAAGCAAAGATGGCTGTCTTCTCAACATCCCAACTTGCAAGACTCACATTGGCTTCTG-3'
Protein context (NP_000129.3, residues 2757-2777): DVEKTAIFAF[Asn2767Ser]ISHVSNKVRI